The following is an entry in ClinVar:

NM_000059.4(BRCA2):c.2998A>G (p.Ile1000Val)

Gene: BRCA2 (BRCA2 DNA repair associated; plus strand). Cytogenetic location: 13q13.1.
Variant type: single nucleotide variant.
Coding change: c.2998A>G on transcript NM_000059.4 (MANE Select); coding-DNA position 2998, A replaced by G.
Protein change: p.Ile1000Val; replaces isoleucine 1000 with valine.
Molecular consequence: missense variant.
Genome position (GRCh38, 1-based): chr13:32,337,353, A>G. VCF-style: chr13-32337353-A-G. GRCh37 (hg19) VCF-style: chr13-32911490-A-G.
Other names: short protein forms I1000V.
Identifiers: ClinVar variation 531314 (VCV000531314.11), dbSNP rs1555282999, ClinGen allele CA387774656.

ClinVar aggregate classification (germline): Conflicting classifications of pathogenicity. Review status: criteria provided, conflicting classifications (1 of 4 stars). 4 submissions from 4 submitters: Uncertain significance (3); Likely benign (1). Last evaluated 2024-07-25.

Conditions:
Hereditary breast ovarian cancer syndrome. Also called: Hereditary breast and ovarian cancer syndrome (HBOC); BRCA1- and BRCA2-Associated Hereditary Breast and Ovarian Cancer; Hereditary breast and ovarian cancer syndrome; Breast and ovarian cancer; Hereditary breast and ovarian cancer; Hereditary breast and/or ovarian cancer syndrome. Identifiers: Orphanet 145, MedGen C0677776, MeSH D061325, MONDO:0003582. Disease mechanism: loss of function.
Hereditary cancer-predisposing syndrome. Also called: Hereditary neoplastic syndrome; Neoplastic Syndromes, Hereditary; Tumor predisposition; Hereditary Cancer Syndrome. Identifiers: Orphanet 140162, MedGen C0027672, MeSH D009386, MONDO:0015356.

Submissions (4):

Labcorp Genetics (formerly Invitae), Labcorp
Classification: Uncertain significance for Hereditary breast ovarian cancer syndrome. Last evaluated: 2024-07-25. Review status: criteria provided, single submitter. Criteria: Invitae Variant Classification Sherloc (09022015). Collection method: clinical testing. Allele origin: germline.
Comment: This sequence change replaces isoleucine, which is neutral and non-polar, with valine, which is neutral and non-polar, at codon 1000 of the BRCA2 protein (p.Ile1000Val). This variant is not present in population databases (gnomAD no frequency). This variant has not been reported in the literature in individuals affected with BRCA2-related conditions. ClinVar contains an entry for this variant (Variation ID: 531314). Advanced modeling of protein sequence and biophysical properties (such as structural, functional, and spatial information, amino acid conservation, physicochemical variation, residue mobility, and thermodynamic stability) performed at Invitae indicates that this missense variant is not expected to disrupt BRCA2 protein function with a negative predictive value of 95%. In summary, the available evidence is currently insufficient to determine the role of this variant in disease. Therefore, it has been classified as a Variant of Uncertain Significance.

Ambry Genetics
Classification: Uncertain significance for Hereditary cancer-predisposing syndrome. Last evaluated: 2024-03-09. Review status: criteria provided, single submitter. Criteria: Ambry Variant Classification Scheme 2023. Collection method: clinical testing. Allele origin: germline.
Comment: The p.I1000V variant (also known as c.2998A>G), located in coding exon 10 of the BRCA2 gene, results from an A to G substitution at nucleotide position 2998. The isoleucine at codon 1000 is replaced by valine, an amino acid with highly similar properties. This amino acid position is conserved. In addition, this alteration is predicted to be tolerated by in silico analysis. Based on the available evidence, the clinical significance of this alteration remains unclear.

Quest Diagnostics Nichols Institute San Juan Capistrano
Classification: Uncertain significance. Last evaluated: 2023-05-17. Review status: criteria provided, single submitter. Criteria: Quest Diagnostics criteria. Collection method: clinical testing. Allele origin: unknown.
Comment: This variant has not been reported in individuals affected with a BRCA2 related cancer in the published literature. It also has not been reported in large, multi-ethnic general populations (Genome Aggregation Database). Analysis of this variant using bioinformatics tools for the prediction of the effect of amino acid changes on protein structure and function yielded predictions that this variant is benign. Based on the available information, we are unable to determine the clinical significance of this variant.

University of Washington Department of Laboratory Medicine, University of Washington
Classification: Likely benign for Hereditary cancer-predisposing syndrome. Last evaluated: 2023-03-23. Review status: criteria provided, single submitter. Criteria: Dines et al. (Genet Med. 2020). Collection method: curation. Allele origin: germline.
Comment: Missense variant in a coldspot region where missense variants are very unlikely to be pathogenic (PMID:31911673).

BRCA2 exon 11 coldspot. Reclassification based on statistical prior probability.

Literature cited by the submitters: PubMed 31911673 (cited by Quest Diagnostics Nichols Institute San Juan Capistrano); PubMed 29884841 (cited by Quest Diagnostics Nichols Institute San Juan Capistrano).